The following is an entry in ClinVar:

ClinVar aggregate classification (germline): Likely benign. Review status: criteria provided, single submitter (1 of 4 stars). 2 submissions from 2 submitters: Likely benign (1). 1 of the submissions does not count toward it. Last evaluated 2025-04-29.

Conditions:
PIEZO1-related disorder. Also called: PIEZO1-related condition; PIEZO1-Related Disorders.

Allele frequency attached by ClinVar (database versions not stated): ExAC 0.00005; gnomAD exomes 0.00018; gnomAD 0.00010.
gnomAD v4.1: 275 of 1,550,314 alleles (0.018%); highest among the groups gnomAD compares: East Asian, 0.022%; no homozygotes.

Submissions (2):

Labcorp Genetics (formerly Invitae), Labcorp
Classification: Likely benign. Last evaluated: 2025-04-29. Review status: criteria provided, single submitter. Criteria: Invitae Variant Classification Sherloc (09022015). Collection method: clinical testing. Allele origin: germline.

PreventionGenetics, part of Exact Sciences
Classification: Likely benign for PIEZO1-related condition. Last evaluated: 2022-10-18. Review status: no assertion criteria provided. Collection method: clinical testing. Allele origin: germline. Not counted in ClinVar's aggregate classification.
Comment: This variant is classified as likely benign based on ACMG/AMP sequence variant interpretation guidelines (Richards et al. 2015 PMID: 25741868, with internal and published modifications).

NM_001142864.4(PIEZO1):c.6150C>T (p.Pro2050=)

Gene: PIEZO1 (piezo type mechanosensitive ion channel component 1 (Er blood group); minus strand). Cytogenetic location: 16q24.3.
Variant type: single nucleotide variant.
Coding change: c.6150C>T on transcript NM_001142864.4 (MANE Select); coding-DNA position 6150, C replaced by T.
Protein change: p.Pro2050=; no amino-acid change (proline 2050 retained).
Molecular consequence: synonymous variant.
Genome position (GRCh38, 1-based): chr16:88,720,083, G>A on the plus strand (C>T on the coding strand, the complement: PIEZO1 is on the minus strand). VCF-style: chr16-88720083-G-A. GRCh37 (hg19) VCF-style: chr16-88786491-G-A.
Other names: c.6150C>T (NM_001142864.3); c.4692C>T, p.Pro1564= (NM_014745.1).
Identifiers: ClinVar variation 2886480 (VCV002886480.5), dbSNP rs780789818, ClinGen allele CA8231709.